The following is an entry in ClinVar:

NM_001195263.2(PDZD7):c.2807G>A (p.Arg936Gln)

Gene: PDZD7 (PDZ domain containing 7; minus strand). Cytogenetic location: 10q24.31.
Variant type: single nucleotide variant.
Coding change: c.2807G>A on transcript NM_001195263.2 (MANE Select); coding-DNA position 2807, G replaced by A.
Protein change: p.Arg936Gln; replaces arginine 936 with glutamine.
Molecular consequence: missense variant.
Genome position (GRCh38, 1-based): chr10:101,008,762, C>T on the plus strand (G>A on the coding strand, the complement: PDZD7 is on the minus strand). VCF-style: chr10-101008762-C-T. GRCh37 (hg19) VCF-style: chr10-102768519-C-T.
Other names: short protein forms R936Q.
Identifiers: ClinVar variation 1920479 (VCV001920479.2), dbSNP rs963573075, ClinGen allele CA212977354.

ClinVar aggregate classification (germline): Uncertain significance (1 of 4 stars; one submission).

gnomAD v4.1: 22 of 1,535,550 alleles (0.0014%); highest among the groups gnomAD compares: African/African-American, 0.0055%; no homozygotes.

Submission:

Labcorp Genetics (formerly Invitae), Labcorp
Classification: Uncertain significance. Last evaluated: 2022-10-13. Review status: criteria provided, single submitter. Criteria: Invitae Variant Classification Sherloc (09022015). Collection method: clinical testing. Allele origin: germline.
Comment: This sequence change replaces arginine, which is basic and polar, with glutamine, which is neutral and polar, at codon 936 of the PDZD7 protein (p.Arg936Gln). This variant is present in population databases (no rsID available, gnomAD 0.02%). This variant has not been reported in the literature in individuals affected with PDZD7-related conditions. Algorithms developed to predict the effect of missense changes on protein structure and function are either unavailable or do not agree on the potential impact of this missense change (SIFT: "Deleterious"; PolyPhen-2: "Not Available"; Align-GVGD: "Class C0"). In summary, the available evidence is currently insufficient to determine the role of this variant in disease. Therefore, it has been classified as a Variant of Uncertain Significance.